The following is an entry in ClinVar:

ClinVar aggregate classification (germline): Uncertain significance (1 of 4 stars; one submission).

Conditions:
Dilated cardiomyopathy 1O (CMD1O). Also called: CARDIOMYOPATHY, DILATED, WITH VENTRICULAR TACHYCARDIA. Identifiers: Orphanet 154, MedGen C1837839, MONDO:0012062, OMIM 608569.

gnomAD v4.1: 2 of 1,613,906 alleles (0.00012%); highest among the groups gnomAD compares: Non-Finnish European, 0.00017%; no homozygotes.

Submission:

Labcorp Genetics (formerly Invitae), Labcorp
Classification: Uncertain significance for Dilated cardiomyopathy 1O. Last evaluated: 2024-08-13. Review status: criteria provided, single submitter. Criteria: Invitae Variant Classification Sherloc (09022015). Collection method: clinical testing. Allele origin: germline.
Comment: This sequence change replaces valine, which is neutral and non-polar, with aspartic acid, which is acidic and polar, at codon 1507 of the ABCC9 protein (p.Val1507Asp). This variant is not present in population databases (gnomAD no frequency). This variant has not been reported in the literature in individuals affected with ABCC9-related conditions. Invitae Evidence Modeling of protein sequence and biophysical properties (such as structural, functional, and spatial information, amino acid conservation, physicochemical variation, residue mobility, and thermodynamic stability) indicates that this missense variant is expected to disrupt ABCC9 protein function with a positive predictive value of 95%. In summary, the available evidence is currently insufficient to determine the role of this variant in disease. Therefore, it has been classified as a Variant of Uncertain Significance.

NM_020297.4(ABCC9):c.4512+694T>A

Genes: ABCC9 (ATP binding cassette subfamily C member 9; minus strand), KCNJ8-AS1 (KCNJ8 antisense RNA 1; plus strand). Cytogenetic location: 12p12.1.
Variant type: single nucleotide variant.
Coding change: c.4512+694T>A on transcript NM_020297.4 (MANE Select); 694 bases into the intron after coding-DNA position 4512, T replaced by A.
Molecular consequence: intron variant. On other transcripts: missense variant (1).
Genome position (GRCh38, 1-based): chr12:21,805,304, A>T on the plus strand (T>A on the coding strand, the complement: ABCC9 is on the minus strand). VCF-style: chr12-21805304-A-T. GRCh37 (hg19) VCF-style: chr12-21958238-A-T.
Other names: c.4520T>A, p.Val1507Asp (NM_005691.4); c.3645+694T>A (NM_001377274.1); c.4512+694T>A (NM_001377273.1); short protein forms V1507D.
Identifiers: ClinVar variation 3620419 (VCV003620419.2).